The following is an entry in ClinVar:

NM_001042492.3(NF1):c.2381A>G (p.Tyr794Cys)

Gene: NF1 (neurofibromin 1; plus strand). Cytogenetic location: 17q11.2.
Variant type: single nucleotide variant.
Coding change: c.2381A>G on transcript NM_001042492.3 (MANE Select); coding-DNA position 2381, A replaced by G.
Protein change: p.Tyr794Cys; replaces tyrosine 794 with cysteine.
Molecular consequence: missense variant.
Genome position (GRCh38, 1-based): chr17:31,227,578, A>G. VCF-style: chr17-31227578-A-G. GRCh37 (hg19) VCF-style: chr17-29554596-A-G.
Other names: c.2381A>G, p.Tyr794Cys (NM_000267.4); short protein forms Y794C.
Identifiers: ClinVar variation 4800733 (VCV004800733.2).

ClinVar aggregate classification (germline): Uncertain significance. Review status: criteria provided, multiple submitters, no conflicts (2 of 4 stars). 2 submissions from 2 submitters: Uncertain significance (2). Last evaluated 2026-01-28.

Conditions:
Neurofibromatosis, type 1 (NF1). Also called: VON RECKLINGHAUSEN DISEASE; Neurofibromatosis, type I; Peripheral type neurofibromatosis; NEUROFIBROMATOSIS, TYPE I, SOMATIC. Identifiers: Orphanet 636, MedGen C0027831, MONDO:0018975, OMIM 162200. Disease mechanism: loss of function.
NF1-related disorder. Also called: NF1-related condition. Identifiers: MedGen CN379171.

Submissions (2):

PreventionGenetics, part of Exact Sciences
Classification: Uncertain significance for NF1-related condition. Last evaluated: 2026-01-28. Review status: criteria provided, single submitter. Criteria: ACMG Guidelines, 2015. Collection method: clinical testing. Allele origin: germline.
Comment: The NF1 c.2381A>G variant is predicted to result in the amino acid substitution p.Tyr794Cys. To our knowledge, this variant has not been reported in the literature or in a large population database (gnomAD), indicating this variant is rare. At this time, the clinical significance of this variant is uncertain due to the absence of conclusive functional and genetic evidence.

Labcorp Genetics (formerly Invitae), Labcorp
Classification: Uncertain significance for Neurofibromatosis, type 1. Last evaluated: 2025-06-16. Review status: criteria provided, single submitter. Criteria: Invitae Variant Classification Sherloc (09022015). Collection method: clinical testing. Allele origin: germline.
Comment: This sequence change replaces tyrosine, which is neutral and polar, with cysteine, which is neutral and slightly polar, at codon 794 of the NF1 protein (p.Tyr794Cys). This variant is not present in population databases (gnomAD no frequency). This variant has not been reported in the literature in individuals affected with NF1-related conditions. Invitae Evidence Modeling of protein sequence and biophysical properties (such as structural, functional, and spatial information, amino acid conservation, physicochemical variation, residue mobility, and thermodynamic stability) indicates that this missense variant is not expected to disrupt NF1 protein function with a negative predictive value of 95%. In summary, the available evidence is currently insufficient to determine the role of this variant in disease. Therefore, it has been classified as a Variant of Uncertain Significance.